The following is an entry in ClinVar:

ClinVar aggregate classification (germline): Conflicting classifications of pathogenicity. Review status: criteria provided, conflicting classifications (1 of 4 stars). 3 submissions from 3 submitters: Uncertain significance (2); Likely benign (1). Last evaluated 2025-07-01.

Conditions:
Arrhythmogenic right ventricular dysplasia 11. Also called: Arrhythmogenic Right Ventricular Dysplasia/Cardiomyopathy11; ARRHYTHMOGENIC RIGHT VENTRICULAR DYSPLASIA, FAMILIAL, 11; Arrhythmogenic right ventricular dysplasia 11 with mild palmoplantar keratoderma and woolly hair. Identifiers: MedGen C1864850, MONDO:0012506, OMIM 610476.
Cardiovascular phenotype. Identifiers: MedGen CN230736.
Cardiomyopathy (CMYO). Also called: Cardiomyopathies. Identifiers: Orphanet 167848, MedGen C0878544, MONDO:0004994, HP:0001638. Inheritance: Various modes of inheritance.

Submissions (3):

Color Diagnostics, LLC DBA Color Health
Classification: Likely benign for Cardiomyopathy. Last evaluated: 2025-07-01. Review status: criteria provided, single submitter. Criteria: ACMG Guidelines, 2015. Collection method: clinical testing. Allele origin: germline.

Labcorp Genetics (formerly Invitae), Labcorp
Classification: Uncertain significance for Arrhythmogenic right ventricular dysplasia 11. Last evaluated: 2022-04-10. Review status: criteria provided, single submitter. Criteria: Invitae Variant Classification Sherloc (09022015). Collection method: clinical testing. Allele origin: germline.
Comment: This sequence change replaces threonine, which is neutral and polar, with asparagine, which is neutral and polar, at codon 358 of the DSC2 protein (p.Thr358Asn). In summary, the available evidence is currently insufficient to determine the role of this variant in disease. Therefore, it has been classified as a Variant of Uncertain Significance. Algorithms developed to predict the effect of missense changes on protein structure and function output the following: SIFT: "Tolerated"; PolyPhen-2: "Benign"; Align-GVGD: "Class C0". The asparagine amino acid residue is found in multiple mammalian species, which suggests that this missense change does not adversely affect protein function. ClinVar contains an entry for this variant (Variation ID: 519432). This variant has not been reported in the literature in individuals affected with DSC2-related conditions. This variant is not present in population databases (gnomAD no frequency).

Ambry Genetics
Classification: Uncertain significance for Cardiovascular phenotype. Last evaluated: 2017-04-19. Review status: criteria provided, single submitter. Criteria: Ambry Variant Classification Scheme 2023. Collection method: clinical testing. Allele origin: germline.
Comment: The p.T358N variant (also known as c.1073C>A), located in coding exon 8 of the DSC2 gene, results from a C to A substitution at nucleotide position 1073. The threonine at codon 358 is replaced by asparagine, an amino acid with similar properties. This amino acid position is poorly conserved in available vertebrate species, and asparagine is the reference amino acid in other vertebrate species. In addition, this alteration is predicted to be tolerated by in silico analysis. Since supporting evidence is limited at this time, the clinical significance of this alteration remains unclear.

NM_024422.6(DSC2):c.1073C>A (p.Thr358Asn)

Gene: DSC2 (desmocollin 2; minus strand). Cytogenetic location: 18q12.1.
Variant type: single nucleotide variant.
Coding change: c.1073C>A on transcript NM_024422.6 (MANE Select); coding-DNA position 1073, C replaced by A.
Protein change: p.Thr358Asn; replaces threonine 358 with asparagine.
Molecular consequence: missense variant.
Genome position (GRCh38, 1-based): chr18:31,082,930, G>T on the plus strand (C>A on the coding strand, the complement: DSC2 is on the minus strand). VCF-style: chr18-31082930-G-T. GRCh37 (hg19) VCF-style: chr18-28662896-G-T.
Other names: c.1073C>A, p.Thr358Asn (NM_004949.5); short protein forms T358N.
Identifiers: ClinVar variation 519432 (VCV000519432.14), dbSNP rs139399951, ClinGen allele CA402110312.